The following is an entry in ClinVar:

NM_003619.4(PRSS12):c.2389C>T (p.Arg797Cys)

Gene: PRSS12 (serine protease 12; minus strand). Cytogenetic location: 4q26.
Variant type: single nucleotide variant.
Coding change: c.2389C>T on transcript NM_003619.4 (MANE Select); coding-DNA position 2389, C replaced by T.
Protein change: p.Arg797Cys; replaces arginine 797 with cysteine.
Molecular consequence: missense variant.
Genome position (GRCh38, 1-based): chr4:118,282,175, G>A on the plus strand (C>T on the coding strand, the complement: PRSS12 is on the minus strand). VCF-style: chr4-118282175-G-A. GRCh37 (hg19) VCF-style: chr4-119203330-G-A.
Other names: short protein forms R797C.
Identifiers: ClinVar variation 130046 (VCV000130046.45), dbSNP rs35996030, ClinGen allele CA231424.
Genomic context (GRCh38, chr4:118,282,175, plus strand): 5'-GTTTGTGTTCATGGAGGTTTCCAGCACAAAGCATTCTCCCTGTAAACCGACCCTTATAAC[G>A]TTCTTCACAAAACCTTTTAGGAAGTAAGGGAATGGCTGCTTGTTGTAGTGTTCTTGAATA-3'
Protein context (NP_003610.2, residues 787-807): PLLPKRFCEE[Arg797Cys]YKGRFTGRML

ClinVar aggregate classification (germline): Likely benign. Review status: criteria provided, multiple submitters, no conflicts (2 of 4 stars). 5 submissions from 5 submitters: Likely benign (5). Last evaluated 2026-03-01.

Conditions:
Intellectual developmental disorder, autosomal recessive 1. Also called: MENTAL RETARDATION, AUTOSOMAL RECESSIVE 1; Intellectual disability, autosomal recessive 1. Identifiers: Orphanet 88616, MedGen C1855304, MONDO:0009580, OMIM 249500.

Allele frequency attached by ClinVar (database versions not stated): 1000 Genomes Project 30x 0.00047; 1000 Genomes Project 0.00060; TOPMed 0.00334; gnomAD 0.00356 and 0.00375; gnomAD exomes 0.00362 and 0.00626; ExAC 0.00379; ESP Exome Variant Server 0.00469.
gnomAD v4.1: 9,605 of 1,614,120 alleles (0.6%); highest among the groups gnomAD compares: Non-Finnish European, 0.74%; 47 homozygotes.

Submissions (5):

CeGaT Center for Human Genetics Tuebingen
Classification: Likely benign. Last evaluated: 2026-03-01. Review status: criteria provided, single submitter. Criteria: CeGaT Center For Human Genetics Tuebingen Variant Classification Criteria Version 2. Collection method: clinical testing. Allele origin: germline. Affected: yes. Observed: 28 variant alleles.
Comment: PRSS12: BS2

Fulgent Genetics
Classification: Likely benign for Intellectual developmental disorder, autosomal recessive 1. Last evaluated: 2021-12-15. Review status: criteria provided, single submitter. Criteria: ACMG Guidelines, 2015. Collection method: clinical testing. Allele origin: unknown.

Labcorp Genetics (formerly Invitae), Labcorp
Classification: Likely benign. Last evaluated: 2019-12-31. Review status: criteria provided, single submitter. Criteria: Invitae Variant Classification Sherloc (09022015). Collection method: clinical testing. Allele origin: germline.

Genetic Services Laboratory, University of Chicago
Classification: Likely benign. Last evaluated: 2017-04-17. Review status: criteria provided, single submitter. Criteria: ACMG Guidelines, 2015. Collection method: clinical testing. Allele origin: germline. Affected: no.

Breakthrough Genomics
Classification: Likely benign. Review status: criteria provided, single submitter. Criteria: ACMG Guidelines, 2015. Collection method: not provided. Allele origin: germline. Inheritance: Autosomal recessive inheritance. Affected: yes.